The following is an entry in ClinVar:

NM_014402.5(UQCRQ):c.110A>C (p.Asn37Thr)

Genes: UQCRQ (ubiquinol-cytochrome c reductase complex III subunit VII; plus strand), LOC126807509 (BRD4-independent group 4 enhancer GRCh37_chr5:132201613-132202812; plus strand). Cytogenetic location: 5q31.1.
Variant type: single nucleotide variant.
Coding change: c.110A>C on transcript NM_014402.5 (MANE Select); coding-DNA position 110, A replaced by C.
Protein change: p.Asn37Thr; replaces asparagine 37 with threonine.
Molecular consequence: missense variant.
Genome position (GRCh38, 1-based): chr5:132,866,991, A>C. VCF-style: chr5-132866991-A-C. GRCh37 (hg19) VCF-style: chr5-132202683-A-C.
Other names: short protein forms N37T.
Identifiers: ClinVar variation 1958085 (VCV001958085.5), dbSNP rs201606663, ClinGen allele CA360958028.

ClinVar aggregate classification (germline): Uncertain significance (1 of 4 stars; one submission).

gnomAD v4.1: 2 of 1,613,920 alleles (0.00012%); highest among the groups gnomAD compares: Non-Finnish European, 0.00017%; no homozygotes.

Submission:

Labcorp Genetics (formerly Invitae), Labcorp
Classification: Uncertain significance. Last evaluated: 2025-01-13. Review status: criteria provided, single submitter. Criteria: Invitae Variant Classification Sherloc (09022015). Collection method: clinical testing. Allele origin: germline.
Comment: This sequence change replaces asparagine, which is neutral and polar, with threonine, which is neutral and polar, at codon 37 of the UQCRQ protein (p.Asn37Thr). This variant is not present in population databases (gnomAD no frequency). This variant has not been reported in the literature in individuals affected with UQCRQ-related conditions. ClinVar contains an entry for this variant (Variation ID: 1958085). An algorithm developed to predict the effect of missense changes on protein structure and function (PolyPhen-2) suggests that this variant is likely to be disruptive. In summary, the available evidence is currently insufficient to determine the role of this variant in disease. Therefore, it has been classified as a Variant of Uncertain Significance.